The following is an entry in ClinVar:

NM_181523.3(PIK3R1):c.1425+1G>T

Gene: PIK3R1 (phosphoinositide-3-kinase regulatory subunit 1; plus strand). Cytogenetic location: 5q13.1.
Variant type: single nucleotide variant.
Coding change: c.1425+1G>T on transcript NM_181523.3 (MANE Select); the canonical splice donor site of the intron after coding-DNA position 1425, G replaced by T.
Molecular consequence: splice donor variant.
Genome position (GRCh38, 1-based): chr5:68,293,835, G>T. VCF-style: chr5-68293835-G-T. GRCh37 (hg19) VCF-style: chr5-67589663-G-T.
Other names: IVS11DS, G-T, +1; c.525+1G>T (NM_181524.2); c.615+1G>T (NM_181504.4); c.336+1G>T (NM_001242466.2).
Identifiers: ClinVar variation 156008 (VCV000156008.16), dbSNP rs587777709, ClinGen allele CA170735.

ClinVar aggregate classification (germline): Pathogenic. Review status: reviewed by expert panel (3 of 4 stars). 7 submissions from 7 submitters: Pathogenic (1). 6 of the submissions do not count toward it. Last evaluated 2026-05-19.
ClinVar aggregate classification (oncogenicity): Likely oncogenic (1 of 4 stars; one submission).

Conditions:
PIK3R1-related immunodeficiency and SHORT syndrome. Identifiers: MedGen CN379774, MONDO:1060136.
PIK3R1-related disorder. Also called: PIK3R1-related condition.
Immunodeficiency 36 with lymphoproliferation. Also called: Immunodeficiency 36; ACTIVATED PI3K-DELTA SYNDROME 2; Activated PI3K Delta Syndrome Type 2 (APDS2). Identifiers: Orphanet 397596, Orphanet 693681, MedGen C4014934, MONDO:0014453, OMIM 616005.
SHORT syndrome. Also called: LIPODYSTROPHY, PARTIAL, WITH RIEGER ANOMALY AND SHORT STATURE; PIK3R1-Related SHORT Syndrome; SHORT STATURE, HYPEREXTENSIBILITY, HERNIA, OCULAR DEPRESSION, RIEGER ANOMALY, AND TEETHING DELAY. Identifiers: Orphanet 3163, MedGen C0878684, MONDO:0010026, OMIM 269880.
Agammaglobulinemia 7, autosomal recessive (AGM7). Also called: AGAMMAGLOBULINEMIA, AUTOSOMAL RECESSIVE, DUE TO PIK3R1 DEFECT. Identifiers: MedGen C3554689, MONDO:0014083, OMIM 615214.
Neoplasm. Also called: tumor; Neoplasms; Neoplasm (disease). Identifiers: MedGen C0027651, MeSH D009369, MONDO:0005070, HP:0002664.

Submissions (8):

ClinGen Primary Immune Regulatory Disorders Variant Curation Expert Panel, ClinGen
Classification: Pathogenic for PIK3R1-related immunodeficiency and SHORT syndrome. Last evaluated: 2026-05-19. Review status: reviewed by expert panel. Criteria: ClinGen AbDef ACMG Specifications PIK3R1 V1.0.0. Collection method: curation. Allele origin: germline. Inheritance: Autosomal dominant inheritance.
Comment: NM_181523.3(PIK3R1):c.1425+1G>T disrupts a canonical splice site in intron 11 and is predicted to cause skipping of in-frame exon 11, resulting in disruption of PIK3R1 function (PVS1_Strong). This variant is located within the splice donor/acceptor +/-1,2 dinucleotide positions with a comparable variant (c.1425+1G>A) within the same splice donor/acceptor +/-1,2 dinucleotide that has been classified Pathogenic by VCEP standards. This variant is absent from gnomAD v4.1.0 (PM2_Supporting). At least one patient with this variant had a phenotype that included a history of respiratory infections (4 pts), poor growth (2 pts), lymph node enlargement and tonsillar hypertrophy (4 pts), immunophenotyping that included absence of switched memory B cells (1 pt) and abnormal TBNK levels (0.5 pts), very low IgG and IgA (0.5 pts), and elevated IgM (0.5 pts), with genotyping by whole exome sequencing that did not identify an alternative basis for disease in the PIK3CD gene, which together are specific for PIK3R1-related immunodeficiency and SHORT syndrome (12.5 total points, PMID: 25939554, PP4). This variant has been identified as a de novo occurrence in the proband with unconfirmed parental relationships, with the phenotype considered highly specific for PIK3R1 immunodeficiency with SHORT syndrome (PMID: 25939554, PS2_Moderate). In summary, this variant meets the criteria to be classified as pathogenic for autosomal dominant PIK3R1-related immunodeficiency and SHORT syndrome based on the ACMG/AMP criteria applied, as specified by the ClinGen Antibody Deficiencies VCEP: PVS1_Strong, PS1, PM2_Supporting, PP4, and PS2_Moderate. (VCEP specifications version 1.0.0; date of approval 04/29/2026).

Center for Genomic Medicine, Rigshospitalet, Copenhagen University Hospital
Classification: Likely oncogenic for Neoplasm. Last evaluated: 2026-10-16. Review status: criteria provided, single submitter. Criteria: ClinGen/CGC/VICC Guidelines for Oncogenicity, 2022. Collection method: clinical testing. Allele origin: somatic. Affected: yes.

Labcorp Genetics (formerly Invitae), Labcorp
Classification: Pathogenic for SHORT syndrome; Immunodeficiency 36 with lymphoproliferation; Agammaglobulinemia 7, autosomal recessive. Last evaluated: 2025-12-29. Review status: criteria provided, single submitter. Criteria: Invitae Variant Classification Sherloc (09022015). Collection method: clinical testing. Allele origin: germline. Not counted in ClinVar's aggregate classification.
Comment: This sequence change affects a donor splice site in intron 11 of the PIK3R1 gene. RNA analysis indicates that disruption of this splice site induces altered splicing and likely results in a shortened protein product. This variant is not present in population databases (gnomAD no frequency). Disruption of this splice site has been observed in individual(s) with activated PI3K-delta syndrome (PMID: 25133428). In at least one individual the variant was observed to be de novo. This variant is also known as G-to-T mutation at g.67589663. ClinVar contains an entry for this variant (Variation ID: 156008). Studies have shown that disruption of this splice site results in skipping of exon 11 (also known as exon 10 due to alternative exon numbering), but is expected to preserve the integrity of the reading-frame (PMID: 25133428). For these reasons, this variant has been classified as Pathogenic.

Rady Children's Institute for Genomic Medicine, Rady Children's Hospital San Diego
Classification: Pathogenic for PIK3R1-related disorders. Last evaluated: 2025-08-22. Review status: criteria provided, single submitter. Criteria: ACMG Guidelines, 2015. Collection method: clinical testing. Allele origin: germline. Affected: yes. Not counted in ClinVar's aggregate classification.
Comment: This variant is also referred to as g.67589663G>T in the literature. This is a known pathogenic variant that has been previously reported as a heterozygous change in patients affected by activating PI3K-delta syndrome (PMID: 27221134, 28302518, 29921932) and determined to be de novo in multiple cases (PMID: 25133428, 29486251). Different nucleotide changes at the same canonical splice donor site (c.1425+1G>C, c.1425+1G>A, c.1425+2T>A) have been previously reported in individuals with PIK3R1-related disorders (PMID: 25133428, 25488983, 27221134). This variant affects the canonical splice donor site of intron 11 and splice prediction tools suggest that it is likely to interfere with normal splicing, which may result in loss of normal protein function through protein truncation. RNA analysis confirmed that the c.1425+1G>T variant causes skipping of in-frame coding exon 10, leading to a truncated protein (PMID: 25133428). In vitro functional analyses in patient cells demonstrated decreased protein expression, hyperactivation of the PI3K complex, and upregulation of downstream AKT/mTOR signaling pathways that impact immune cell survival (PMID: 25133428). The PIK3R1 gene is constrained against loss-of-function variation (pLI = 1), and loss-of-function variants are an established mechanism of disease (HGMD, ClinVar database; PMID: 27221134). The c.1425+1G>T variant is absent from the latest version of the gnomAD population database and thus is presumed to be rare. Based on parental analysis, this variant likely occurred as a de novo event. Based on the available evidence, c.1425+1G>T is classified as Pathogenic.

3billion
Classification: Pathogenic for Immunodeficiency 36 with lymphoproliferation. Last evaluated: 2022-05-22. Review status: criteria provided, single submitter. Criteria: ACMG Guidelines, 2015. Collection method: clinical testing. Allele origin: germline. Affected: yes. Observed: 1 heterozygote. Not counted in ClinVar's aggregate classification.
Comment: The variant is not observed in the gnomAD v2.1.1 dataset. Canonical splice site: predicted to alter splicing and result in a loss or disruption of normal protein function. Multiple pathogenic loss-of-function variants are reported downstream of the variant. The variant has been reported at least twice as pathogenic (ClinVar ID: VCV000156008). Therefore, this variant is classified as pathogenic according to the recommendation of ACMG/AMP guideline.

Laboratory of Medical Genetics, National & Kapodistrian University of Athens
Classification: Pathogenic for Immunodeficiency 36 with lymphoproliferation. Last evaluated: 2021-10-05. Review status: criteria provided, single submitter. Criteria: ACMG Guidelines, 2015. Collection method: clinical testing. Allele origin: unknown. Affected: yes. Not counted in ClinVar's aggregate classification.
Comment: PVS1, PM2, PP3, PP5

GeneDx
Classification: Pathogenic. Last evaluated: 2016-06-21. Review status: criteria provided, single submitter. Criteria: GeneDx Variant Classification (06012015). Collection method: clinical testing. Allele origin: germline. Affected: yes. Not counted in ClinVar's aggregate classification.
Comment: The c.1425+1G>T pathogenic variant in the PIK3R1 gene has been reported previously (reported as g.67589663G>C using genomic coordinates) in an individual with immune dysfunction including hypogammaglobulinemia and recurrent infections (Deau et al., 2014). This splice site variant destroys the canonical splice donor site in intron 11. Additionally, different nucleotide variants (1425+1G>C, c.1425+1G>A, c.1425+2T>A) affecting this same cannonical splice donor site have been reported in multiple patients with PIK3R1-related disorders (Deau et al., 2014; Lucas et al., 2014; di Fonte et al., 2016). In vitro analysis demonstrated that this splice site variant results in in-frame skipping of exon 11 (reported as exon 10 due to alternate nomenclature), and results in a less stable truncated protein which is expressed at lower levels than wild-type (Deau et al., 2014). Functional studies in transfected cells indicated that this variant increases PI3K signaling (Deau et al., 2014). The c.1425+1G>T variant was not observed in approximately 6500 individuals of European and African American ancestry in the NHLBI Exome Sequencing Project, indicating it is not a common benign variant in these populations. We interpret c.1425+1G>T as a pathogenic variant.

OMIM
Classification: Pathogenic for IMMUNODEFICIENCY 36 WITH LYMPHOPROLIFERATION. Last evaluated: 1995-03-01. Review status: no assertion criteria provided. Collection method: literature only. Allele origin: germline. Not counted in ClinVar's aggregate classification.

Literature cited by the submitters: PubMed 25133428 (cited by Labcorp Genetics (formerly Invitae), Labcorp and Rady Children's Institute for Genomic Medicine, Rady Children's Hospital San Diego); PubMed 25488983 (cited by Rady Children's Institute for Genomic Medicine, Rady Children's Hospital San Diego and OMIM); PubMed 27221134 (cited by Rady Children's Institute for Genomic Medicine, Rady Children's Hospital San Diego); PubMed 28302518 (cited by Rady Children's Institute for Genomic Medicine, Rady Children's Hospital San Diego); PubMed 29486251 (cited by Rady Children's Institute for Genomic Medicine, Rady Children's Hospital San Diego); PubMed 29921932 (cited by Rady Children's Institute for Genomic Medicine, Rady Children's Hospital San Diego); PubMed 36943234 (cited by Rady Children's Institute for Genomic Medicine, Rady Children's Hospital San Diego and OMIM); PubMed 7705412 (cited by OMIM); PubMed 25939554 (cited by OMIM).